The following is an entry in ClinVar:

ClinVar aggregate classification (germline): Uncertain significance (1 of 4 stars; one submission).

Submission:

GeneDx
Classification: Uncertain significance. Last evaluated: 2024-02-08. Review status: criteria provided, single submitter. Criteria: GeneDx Variant Classification Process June 2021. Collection method: clinical testing. Allele origin: germline. Affected: yes.
Comment: Not observed at significant frequency in large population cohorts (gnomAD); In silico analysis supports that this missense variant has a deleterious effect on protein structure/function; Has not been previously published as pathogenic or benign to our knowledge

NM_001393769.1(MED12L):c.4273G>T (p.Asp1425Tyr)

Genes: MED12L (mediator complex subunit 12L; plus strand), P2RY12 (purinergic receptor P2Y12; minus strand). Cytogenetic location: 3q25.1.
Variant type: single nucleotide variant.
Coding change: c.4273G>T on transcript NM_001393769.1 (MANE Select); coding-DNA position 4273, G replaced by T.
Protein change: p.Asp1425Tyr; replaces aspartic acid 1425 with tyrosine.
Molecular consequence: missense variant. On other transcripts: intron variant (1).
Genome position (GRCh38, 1-based): chr3:151,377,135, G>T. VCF-style: chr3-151377135-G-T. GRCh37 (hg19) VCF-style: chr3-151094923-G-T.
Other names: c.4168G>T, p.Asp1390Tyr (NM_053002.6); c.-180+7557C>A (NM_022788.5); short protein forms D1390Y, D1425Y.
Identifiers: ClinVar variation 3369088 (VCV003369088.1).
Genomic context (GRCh38, chr3:151,377,135, plus strand): 5'-CTAAATAATTCTTCTAATTCTGGCATGAGCCTCTTCAACCCAAACAGTATTGGAAGTGCT[G>T]ATACAAGTAGCACGAGACAGAATGGAATAAAGACATTCCTAAGGTATTTTTGTCTGTTGT-3'
Protein context (NP_001380698.1, residues 1415-1435): LFNPNSIGSA[Asp1425Tyr]TSSTRQNGIK